The following is an entry in ClinVar:

ClinVar aggregate classification (germline): Uncertain significance. Review status: criteria provided, single submitter (1 of 4 stars). 2 submissions from 2 submitters: Uncertain significance (1). 1 of the submissions does not count toward it. Last evaluated 2025-01-03.

Conditions:
Inborn genetic diseases. Identifiers: MedGen C0950123, MeSH D030342.

gnomAD v4.1: 4 of 1,613,672 alleles (0.00025%); highest among the groups gnomAD compares: Non-Finnish European, 0.00034%; no homozygotes.

Submissions (2):

Ambry Genetics
Classification: Uncertain significance for Inborn genetic diseases. Last evaluated: 2025-01-03. Review status: criteria provided, single submitter. Criteria: Ambry Variant Classification Scheme 2023. Collection method: clinical testing. Allele origin: germline.
Comment: The p.I1365R variant (also known as c.4094T>G), located in coding exon 1 of the SAMD9 gene, results from a T to G substitution at nucleotide position 4094. The isoleucine at codon 1365 is replaced by arginine, an amino acid with similar properties. This amino acid position is conserved. In addition, the in silico prediction for this alteration is inconclusive. Based on the available evidence, the clinical significance of this variant remains unclear.

Genetic Services Laboratory, University of Chicago
Classification: Uncertain significance. Last evaluated: 2022-06-24. Review status: no assertion criteria provided. Collection method: clinical testing. Allele origin: germline. Affected: no. Not counted in ClinVar's aggregate classification.
Comment: DNA sequence analysis of the SAMD9 gene demonstrated a sequence change, c.4094T>G, in exon 3 that results in an amino acid change, p.Ile1365Arg. This sequence change does not appear to have been previously described in individuals with SAMD9-related disorders and has also not been described in population databases such as ExAC and gnomAD. The p.Ile1365Arg change affects a highly conserved amino acid residue located in a domain of the SAMD9 protein that is not known to be functional. The p.Ile1365Arg substitution appears to be deleterious using several in-silico pathogenicity prediction tools (SIFT, PolyPhen2, Align GVGD). Due to insufficient evidences and the lack of functional studies, the clinical significance of the p.Ile1365Arg change remains unknown at this time.

NM_017654.4(SAMD9):c.4094T>G (p.Ile1365Arg)

Gene: SAMD9 (sterile alpha motif domain containing 9; minus strand). Cytogenetic location: 7q21.2.
Variant type: single nucleotide variant.
Coding change: c.4094T>G on transcript NM_017654.4 (MANE Select); coding-DNA position 4094, T replaced by G.
Protein change: p.Ile1365Arg; replaces isoleucine 1365 with arginine.
Molecular consequence: missense variant.
Genome position (GRCh38, 1-based): chr7:93,102,004, A>C on the plus strand (T>G on the coding strand, the complement: SAMD9 is on the minus strand). VCF-style: chr7-93102004-A-C. GRCh37 (hg19) VCF-style: chr7-92731317-A-C.
Other names: c.4094T>G, p.Ile1365Arg (NM_001193307.2); short protein forms I1365R.
Identifiers: ClinVar variation 2443252 (VCV002443252.3), dbSNP rs577145375, ClinGen allele CA368180645.